The following is an entry in ClinVar:

ClinVar aggregate classification (germline): Uncertain significance (1 of 4 stars; one submission).

Submission:

Labcorp Genetics (formerly Invitae), Labcorp
Classification: Uncertain significance. Last evaluated: 2024-09-26. Review status: criteria provided, single submitter. Criteria: Invitae Variant Classification Sherloc (09022015). Collection method: clinical testing. Allele origin: germline.
Comment: This sequence change replaces glycine, which is neutral and non-polar, with serine, which is neutral and polar, at codon 3146 of the SRCAP protein (p.Gly3146Ser). This variant is not present in population databases (gnomAD no frequency). This variant has not been reported in the literature in individuals affected with SRCAP-related conditions. Invitae Evidence Modeling of protein sequence and biophysical properties (such as structural, functional, and spatial information, amino acid conservation, physicochemical variation, residue mobility, and thermodynamic stability) indicates that this missense variant is not expected to disrupt SRCAP protein function with a negative predictive value of 80%. In summary, the available evidence is currently insufficient to determine the role of this variant in disease. Therefore, it has been classified as a Variant of Uncertain Significance.

NM_006662.3(SRCAP):c.9436G>A (p.Gly3146Ser)

Gene: SRCAP (Snf2 related CREBBP activator protein; plus strand). Cytogenetic location: 16p11.2.
Variant type: single nucleotide variant.
Coding change: c.9436G>A on transcript NM_006662.3 (MANE Select); coding-DNA position 9436, G replaced by A.
Protein change: p.Gly3146Ser; replaces glycine 3146 with serine.
Molecular consequence: missense variant.
Genome position (GRCh38, 1-based): chr16:30,739,476, G>A. VCF-style: chr16-30739476-G-A. GRCh37 (hg19) VCF-style: chr16-30750797-G-A.
Other names: short protein forms G3146S.
Identifiers: ClinVar variation 3661806 (VCV003661806.2).